The following is an entry in ClinVar:

ClinVar aggregate classification (germline): Uncertain significance (1 of 4 stars; one submission).

Allele frequency attached by ClinVar (database versions not stated): ExAC 0.00001; gnomAD 0.00001; 1000 Genomes Project 30x 0.00016; 1000 Genomes Project 0.00020.
gnomAD v4.1: 1 of 1,613,982 alleles (0.000062%); highest among the groups gnomAD compares: South Asian, 0.0011%; no homozygotes.

Submission:

Laboratory for Molecular Medicine, Mass General Brigham Personalized Medicine
Classification: Uncertain significance. Last evaluated: 2013-08-15. Review status: criteria provided, single submitter. Criteria: LMM Criteria. Collection method: clinical testing. Allele origin: germline. Observed: 1 variant allele.
Comment: Variant classified as Uncertain Significance - Favor Benign. The Ser2054Asn vari ant in GPR98 has not been previously reported in individuals with hearing loss o r in large population studies. Computational analyses (biochemical amino acid pr operties, conservation, AlignGVGD, PolyPhen2, and SIFT) suggest the variant is l ess likely to impact the protein, in part due to the lack of Ser2054 amino acid conservation in mammals. In summary, additional data is needed to determine the clinical significance of this variant; however, we would lean towards a more lik ely benign role based upon in computational data.

NM_032119.4(ADGRV1):c.6161G>A (p.Ser2054Asn)

Gene: ADGRV1 (adhesion G protein-coupled receptor V1; plus strand). Cytogenetic location: 5q14.3.
Variant type: single nucleotide variant.
Coding change: c.6161G>A on transcript NM_032119.4 (MANE Select); coding-DNA position 6161, G replaced by A.
Protein change: p.Ser2054Asn; replaces serine 2054 with asparagine.
Molecular consequence: missense variant. On other transcripts: non-coding transcript variant (1).
Genome position (GRCh38, 1-based): chr5:90,684,082, G>A. VCF-style: chr5-90684082-G-A. GRCh37 (hg19) VCF-style: chr5-89979899-G-A.
Other names: short protein forms S2054N.
Identifiers: ClinVar variation 163579 (VCV000163579.4), dbSNP rs558843030, ClinGen allele CA176197.